The following is an entry in ClinVar:

NM_007254.4(PNKP):c.430A>G (p.Asn144Asp)

Gene: PNKP (polynucleotide kinase 3'-phosphatase; minus strand). Cytogenetic location: 19q13.33.
Variant type: single nucleotide variant.
Coding change: c.430A>G on transcript NM_007254.4 (MANE Select); coding-DNA position 430, A replaced by G.
Protein change: p.Asn144Asp; replaces asparagine 144 with aspartic acid.
Molecular consequence: missense variant.
Genome position (GRCh38, 1-based): chr19:49,865,195, T>C on the plus strand (A>G on the coding strand, the complement: PNKP is on the minus strand). VCF-style: chr19-49865195-T-C. GRCh37 (hg19) VCF-style: chr19-50368452-T-C.
Other names: short protein forms N144D.
Identifiers: ClinVar variation 659959 (VCV000659959.14), dbSNP rs551774481, ClinGen allele CA9586948.

ClinVar aggregate classification (germline): Uncertain significance. Review status: criteria provided, multiple submitters, no conflicts (2 of 4 stars). 3 submissions from 3 submitters: Uncertain significance (3). Last evaluated 2024-05-15.

Conditions:
Developmental and epileptic encephalopathy, 12 (DEE12). Identifiers: MedGen C3150988, MONDO:0013389, OMIM 613722.

Allele frequency attached by ClinVar (database versions not stated): gnomAD below 0.00001 and 0.00001; TOPMed 0.00001; 1000 Genomes Project 30x 0.00016; gnomAD exomes 0.00016; ExAC 0.00017; 1000 Genomes Project 0.00020.
gnomAD v4.1: 136 of 1,614,252 alleles (0.0084%); highest among the groups gnomAD compares: South Asian, 0.14%; 1 homozygote.

Submissions (3):

Labcorp Genetics (formerly Invitae), Labcorp
Classification: Uncertain significance for Developmental and epileptic encephalopathy, 12. Last evaluated: 2024-05-15. Review status: criteria provided, single submitter. Criteria: Invitae Variant Classification Sherloc (09022015). Collection method: clinical testing. Allele origin: germline.
Comment: This sequence change replaces asparagine, which is neutral and polar, with aspartic acid, which is acidic and polar, at codon 144 of the PNKP protein (p.Asn144Asp). This variant is present in population databases (rs551774481, gnomAD 0.1%). This variant has not been reported in the literature in individuals affected with PNKP-related conditions. ClinVar contains an entry for this variant (Variation ID: 659959). Advanced modeling of protein sequence and biophysical properties (such as structural, functional, and spatial information, amino acid conservation, physicochemical variation, residue mobility, and thermodynamic stability) performed at Invitae indicates that this missense variant is not expected to disrupt PNKP protein function with a negative predictive value of 80%. In summary, the available evidence is currently insufficient to determine the role of this variant in disease. Therefore, it has been classified as a Variant of Uncertain Significance.

Mayo Clinic Laboratories, Mayo Clinic
Classification: Uncertain significance. Last evaluated: 2019-05-26. Review status: criteria provided, single submitter. Criteria: ACMG Guidelines, 2015. Collection method: clinical testing. Allele origin: germline. Observed: 1 variant allele.

GeneDx
Classification: Uncertain significance. Last evaluated: 2018-09-26. Review status: criteria provided, single submitter. Criteria: GeneDx Variant Classification Process June 2021. Collection method: clinical testing. Allele origin: germline. Affected: yes.
Comment: In silico analysis, which includes protein predictors and evolutionary conservation, supports that this variant does not alter protein structure/function